The following is an entry in ClinVar:

NM_001088.3(AANAT):c.384C>T (p.Arg128=)

Gene: AANAT (aralkylamine N-acetyltransferase; plus strand). Cytogenetic location: 17q25.1.
Variant type: single nucleotide variant.
Coding change: c.384C>T on transcript NM_001088.3 (MANE Select); coding-DNA position 384, C replaced by T.
Protein change: p.Arg128=; no amino-acid change (arginine 128 retained).
Molecular consequence: synonymous variant. On other transcripts: non-coding transcript variant (1).
Genome position (GRCh38, 1-based): chr17:76,469,730, C>T. VCF-style: chr17-76469730-C-T. GRCh37 (hg19) VCF-style: chr17-74465812-C-T.
Other names: c.519C>T, p.Arg173= (NM_001166579.2).
Identifiers: ClinVar variation 2648316 (VCV002648316.24), dbSNP rs200468284, ClinGen allele CA8786584.

ClinVar aggregate classification (germline): Likely benign (1 of 4 stars; one submission).

Allele frequency attached by ClinVar (database versions not stated): TOPMed 0.00015; gnomAD 0.00030; gnomAD exomes 0.00051; 1000 Genomes Project 0.00140; 1000 Genomes Project 30x 0.00141; ExAC 0.00199.

Submission:

CeGaT Center for Human Genetics Tuebingen
Classification: Likely benign. Last evaluated: 2023-03-01. Review status: criteria provided, single submitter. Criteria: CeGaT Center For Human Genetics Tuebingen Variant Classification Criteria Version 2. Collection method: clinical testing. Allele origin: germline. Affected: yes. Observed: 1 variant allele.
Comment: AANAT: BP4, BP7, BS2